The following is an entry in ClinVar:

NM_001101362.3(KBTBD13):c.1318C>T (p.Leu440Phe)

Gene: KBTBD13 (kelch repeat and BTB domain containing 13; plus strand). Cytogenetic location: 15q22.31.
Variant type: single nucleotide variant.
Coding change: c.1318C>T on transcript NM_001101362.3 (MANE Select); coding-DNA position 1318, C replaced by T.
Protein change: p.Leu440Phe; replaces leucine 440 with phenylalanine.
Molecular consequence: missense variant.
Genome position (GRCh38, 1-based): chr15:65,078,133, C>T. VCF-style: chr15-65078133-C-T. GRCh37 (hg19) VCF-style: chr15-65370471-C-T.
Other names: short protein forms L440F.
Identifiers: ClinVar variation 3712795 (VCV003712795.2).

ClinVar aggregate classification (germline): Uncertain significance (1 of 4 stars; one submission).

Conditions:
Nemaline myopathy 6 (NEM6). Also called: Nemaline myopathy 6, autosomal dominant. Identifiers: Orphanet 171439, MedGen C1836472, MONDO:0012237, OMIM 609273.

gnomAD v4.1: 3 of 1,555,720 alleles (0.00019%); highest among the groups gnomAD compares: South Asian, 0.0023%; no homozygotes.

Submission:

Labcorp Genetics (formerly Invitae), Labcorp
Classification: Uncertain significance for Nemaline myopathy 6. Last evaluated: 2025-11-08. Review status: criteria provided, single submitter. Criteria: Invitae Variant Classification Sherloc (09022015). Collection method: clinical testing. Allele origin: germline.
Comment: This sequence change replaces leucine, which is neutral and non-polar, with phenylalanine, which is neutral and non-polar, at codon 440 of the KBTBD13 protein (p.Leu440Phe). This variant is not present in population databases (gnomAD no frequency). This variant has not been reported in the literature in individuals affected with KBTBD13-related conditions. ClinVar contains an entry for this variant (Variation ID: 3712795). An algorithm developed to predict the effect of missense changes on protein structure and function outputs the following: PolyPhen-2: "Benign". The phenylalanine amino acid residue is found in multiple mammalian species, which suggests that this missense change does not adversely affect protein function. In summary, the available evidence is currently insufficient to determine the role of this variant in disease. Therefore, it has been classified as a Variant of Uncertain Significance.